The following is an entry in ClinVar:

NM_001127222.2(CACNA1A):c.816T>A (p.Cys272Ter)

Gene: CACNA1A (calcium voltage-gated channel subunit alpha1 A; minus strand). Cytogenetic location: 19p13.13.
Variant type: single nucleotide variant.
Coding change: c.816T>A on transcript NM_001127222.2 (MANE Select); coding-DNA position 816, T replaced by A.
Protein change: p.Cys272Ter; replaces cysteine 272 with a stop codon.
Molecular consequence: nonsense.
Genome position (GRCh38, 1-based): chr19:13,359,768, A>T on the plus strand (T>A on the coding strand, the complement: CACNA1A is on the minus strand). VCF-style: chr19-13359768-A-T. GRCh37 (hg19) VCF-style: chr19-13470582-A-T.
Other names: c.816T>A, p.Cys272Ter (NM_000068.4, NM_001127221.2, NM_001174080.2 and 1 more transcripts); short protein forms C272*.
Identifiers: ClinVar variation 2505538 (VCV002505538.1), dbSNP rs2513152460, ClinGen allele CA404347365.

ClinVar aggregate classification (germline): Likely pathogenic (1 of 4 stars; one submission).

Conditions:
Migraine, familial hemiplegic, 1. Also called: MIGRAINE, FAMILIAL HEMIPLEGIC 1, WITH PROGRESSIVE CEREBELLAR ATAXIA. Identifiers: Orphanet 569, MedGen C1832884, MONDO:0020756, OMIM 141500, MONDO:0007714.

Submission:

Dr. med. U. Finckh, Human Genetics, Eurofins MVZ
Classification: Likely pathogenic for Migraine, familial hemiplegic, 1. Last evaluated: 2023-01-01. Review status: criteria provided, single submitter. Criteria: ACMG Guidelines, 2015. Collection method: clinical testing. Allele origin: maternal. Affected: yes.